The following is an entry in ClinVar:

ClinVar aggregate classification (germline): Uncertain significance (1 of 4 stars; one submission).

Conditions:
Primary ciliary dyskinesia. Also called: Ciliary dyskinesia. Identifiers: Orphanet 244, MedGen C0008780, MONDO:0016575, HP:0012265.

Allele frequency attached by ClinVar (database versions not stated): gnomAD exomes 0.00003; TOPMed 0.00011; gnomAD 0.00016 and 0.00017.
gnomAD v4.1: 38 of 1,613,844 alleles (0.0024%); highest among the groups gnomAD compares: Admixed American, 0.058%; 1 homozygote.

Submission:

Labcorp Genetics (formerly Invitae), Labcorp
Classification: Uncertain significance for Primary ciliary dyskinesia. Last evaluated: 2022-08-19. Review status: criteria provided, single submitter. Criteria: Invitae Variant Classification Sherloc (09022015). Collection method: clinical testing. Allele origin: germline.
Comment: This variant is present in population databases (no rsID available, gnomAD 0.02%). This sequence change replaces aspartic acid, which is acidic and polar, with glutamic acid, which is acidic and polar, at codon 600 of the CCDC40 protein (p.Asp600Glu). In summary, the available evidence is currently insufficient to determine the role of this variant in disease. Therefore, it has been classified as a Variant of Uncertain Significance. Algorithms developed to predict the effect of missense changes on protein structure and function (SIFT, PolyPhen-2, Align-GVGD) all suggest that this variant is likely to be tolerated. ClinVar contains an entry for this variant (Variation ID: 1416938). This variant has not been reported in the literature in individuals affected with CCDC40-related conditions.

NM_017950.4(CCDC40):c.1800C>G (p.Asp600Glu)

Gene: CCDC40 (coiled-coil domain 40 molecular ruler complex subunit; plus strand). Cytogenetic location: 17q25.3.
Variant type: single nucleotide variant.
Coding change: c.1800C>G on transcript NM_017950.4 (MANE Select); coding-DNA position 1800, C replaced by G.
Protein change: p.Asp600Glu; replaces aspartic acid 600 with glutamic acid.
Molecular consequence: missense variant.
Genome position (GRCh38, 1-based): chr17:80,081,783, C>G. VCF-style: chr17-80081783-C-G. GRCh37 (hg19) VCF-style: chr17-78055582-C-G.
Other names: c.1800C>G, p.Asp600Glu (NM_001243342.2); short protein forms D600E.
Identifiers: ClinVar variation 1416938 (VCV001416938.6), dbSNP rs965506812, ClinGen allele CA294859082.
Genomic context (GRCh38, chr17:80,081,783, plus strand): 5'-GAGCCAGTTCAATACCTACAGGCTCACCCTGCAGGACACAGAGGATGCCCTCAGCCAGGA[C>G]CAGCTGGTGAGGCCGGGCCCGCCCCACAGGTCACACCTGGCGCACGGTGGTGCCTCTTCA-3'
Protein context (NP_060420.2, residues 590-610): LQDTEDALSQ[Asp600Glu]QLEQMILTEE